The following is an entry in ClinVar:

NM_000053.4(ATP7B):c.4030A>C (p.Met1344Leu)

Gene: ATP7B (ATPase copper transporting beta; minus strand). Cytogenetic location: 13q14.3.
Variant type: single nucleotide variant.
Coding change: c.4030A>C on transcript NM_000053.4 (MANE Select); coding-DNA position 4030, A replaced by C.
Protein change: p.Met1344Leu; replaces methionine 1344 with leucine.
Molecular consequence: missense variant.
Genome position (GRCh38, 1-based): chr13:51,935,687, T>G on the plus strand (A>C on the coding strand, the complement: ATP7B is on the minus strand). VCF-style: chr13-51935687-T-G. GRCh37 (hg19) VCF-style: chr13-52509823-T-G.
Other names: c.3778A>C, p.Met1260Leu (NM_001330579.2); c.3409A>C, p.Met1137Leu (NM_001005918.3); c.3697A>C, p.Met1233Leu (NM_001243182.2); c.3796A>C, p.Met1266Leu (NM_001330578.2); short protein forms M1137L, M1233L, M1260L, M1266L, M1344L.
Identifiers: ClinVar variation 1020318 (VCV001020318.12), dbSNP rs947156425, ClinGen allele CA388020282.
Genomic context (GRCh38, chr13:51,935,687, plus strand): 5'-CAGAGGAGGCTGCCATGGCCGCTGAGCCCATCCAGGGCTGCAGCACAATGCCGATGGGCA[T>G]GAAGACACCTGGGGAAGAAAGAACTCGCACTCACACCTAGGTCTGGGGAGAGGAGCCAGG-3'
Protein context (NP_000044.2, residues 1334-1354): VGIPIAAGVF[Met1344Leu]PIGIVLQPWM

ClinVar aggregate classification (germline): Uncertain significance. Review status: criteria provided, multiple submitters, no conflicts (2 of 4 stars). 4 submissions from 4 submitters: Uncertain significance (3). 1 of the submissions does not count toward it. Last evaluated 2024-05-11.

Conditions:
Wilson disease (WND). Also called: Wilson's disease. Identifiers: Orphanet 905, MedGen C0019202, MONDO:0010200, OMIM 277900. Disease mechanism: loss of function.

Allele frequency attached by ClinVar (database versions not stated): gnomAD 0.00001; gnomAD exomes 0.00001; TOPMed 0.00001.

Submissions (4):

Fulgent Genetics
Classification: Uncertain significance for Wilson disease. Last evaluated: 2024-05-11. Review status: criteria provided, single submitter. Criteria: ACMG Guidelines, 2015. Collection method: clinical testing. Allele origin: germline.

All of Us Research Program, National Institutes of Health
Classification: Uncertain significance for Wilson disease. Last evaluated: 2023-11-20. Review status: criteria provided, single submitter. Criteria: ACMG Guidelines, 2015. Collection method: clinical testing. Allele origin: germline. Inheritance: Autosomal recessive inheritance. Observed: 4 variant alleles, 4 heterozygotes.
Comment: This missense variant replaces methionine with leucine at codon 1344 of the ATP7B protein. Computational prediction suggests that this variant may not impact protein structure and function (internally defined REVEL score threshold <= 0.5, PMID: 27666373). To our knowledge, functional studies have not been reported for this variant. This variant has not been reported in individuals affected with ATP7B-related disorders in the literature. This variant has been identified in 3/272578 chromosomes in the general population by the Genome Aggregation Database (gnomAD). The available evidence is insufficient to determine the role of this variant in disease conclusively. Therefore, this variant is classified as a Variant of Uncertain Significance.

This study involves interpretation of variants in research participants for the purpose of population health screening. Participant phenotype was not available at the time of variant classification. Additional details can be found in publication PMID: 35346344, PMCID: PMC8962531

Labcorp Genetics (formerly Invitae), Labcorp
Classification: Uncertain significance for Wilson disease. Last evaluated: 2022-09-13. Review status: criteria provided, single submitter. Criteria: Invitae Variant Classification Sherloc (09022015). Collection method: clinical testing. Allele origin: germline.
Comment: This sequence change replaces methionine, which is neutral and non-polar, with leucine, which is neutral and non-polar, at codon 1344 of the ATP7B protein (p.Met1344Leu). This variant is present in population databases (no rsID available, gnomAD 0.009%). This variant has not been reported in the literature in individuals affected with ATP7B-related conditions. ClinVar contains an entry for this variant (Variation ID: 1020318). Advanced modeling of protein sequence and biophysical properties (such as structural, functional, and spatial information, amino acid conservation, physicochemical variation, residue mobility, and thermodynamic stability) performed at Invitae indicates that this missense variant is not expected to disrupt ATP7B protein function. In summary, the available evidence is currently insufficient to determine the role of this variant in disease. Therefore, it has been classified as a Variant of Uncertain Significance.

Natera, Inc.
Classification: Uncertain significance for Wilson disease. Last evaluated: 2020-02-21. Review status: no assertion criteria provided. Collection method: clinical testing. Allele origin: germline. Not counted in ClinVar's aggregate classification.